The following is an entry in ClinVar:

ClinVar aggregate classification (germline): Uncertain significance (1 of 4 stars; one submission).

Conditions:
Regional enteritis. Also called: Enteritis, Granulomatous. Identifiers: MedGen C0678202, MeSH D003424.
Blau syndrome (BLAUS). Also called: ARTHROCUTANEOUVEAL GRANULOMATOSIS; GRANULOMATOSIS, FAMILIAL JUVENILE SYSTEMIC; GRANULOMATOSIS, FAMILIAL, BLAU TYPE; GRANULOMATOUS INFLAMMATORY ARTHRITIS, DERMATITIS, AND UVEITIS, FAMILIAL; JABS SYNDROME. Identifiers: Orphanet 90340, MedGen C5201146, MONDO:0008523, OMIM 186580.

Allele frequency attached by ClinVar (database versions not stated): gnomAD exomes below 0.00001.
gnomAD v4.1: 3 of 1,613,842 alleles (0.00019%); highest among the groups gnomAD compares: Non-Finnish European, 0.000085%; no homozygotes.

Submission:

Labcorp Genetics (formerly Invitae), Labcorp
Classification: Uncertain significance for Regional enteritis; Blau syndrome. Last evaluated: 2024-05-17. Review status: criteria provided, single submitter. Criteria: Invitae Variant Classification Sherloc (09022015). Collection method: clinical testing. Allele origin: germline.
Comment: This sequence change replaces glycine, which is neutral and non-polar, with aspartic acid, which is acidic and polar, at codon 775 of the NOD2 protein (p.Gly775Asp). This variant is not present in population databases (gnomAD no frequency). This variant has not been reported in the literature in individuals affected with NOD2-related conditions. Advanced modeling of protein sequence and biophysical properties (such as structural, functional, and spatial information, amino acid conservation, physicochemical variation, residue mobility, and thermodynamic stability) performed at Invitae indicates that this missense variant is not expected to disrupt NOD2 protein function with a negative predictive value of 95%. Experimental studies have shown that this missense change affects NOD2 function (PMID: 15044951). In summary, the available evidence is currently insufficient to determine the role of this variant in disease. Therefore, it has been classified as a Variant of Uncertain Significance.

Literature cited by the submitters: PubMed 15044951.

NM_001370466.1(NOD2):c.2243G>A (p.Gly748Asp)

Gene: NOD2 (nucleotide binding oligomerization domain containing 2; plus strand). Cytogenetic location: 16q12.1.
Variant type: single nucleotide variant.
Coding change: c.2243G>A on transcript NM_001370466.1 (MANE Select); coding-DNA position 2243, G replaced by A.
Protein change: p.Gly748Asp; replaces glycine 748 with aspartic acid.
Molecular consequence: missense variant. On other transcripts: non-coding transcript variant (1).
Genome position (GRCh38, 1-based): chr16:50,712,235, G>A. VCF-style: chr16-50712235-G-A. GRCh37 (hg19) VCF-style: chr16-50746146-G-A.
Other names: c.2243G>A, p.Gly748Asp (NM_001293557.2); c.2324G>A, p.Gly775Asp (NM_022162.3); short protein forms G748D, G775D.
Identifiers: ClinVar variation 2931419 (VCV002931419.3), dbSNP rs2506435176, ClinGen allele CA395871833.